The following is an entry in ClinVar:

NM_001348768.2(HECW2):c.3454C>G (p.Pro1152Ala)

Gene: HECW2 (HECT, C2 and WW domain containing E3 ubiquitin protein ligase 2; minus strand). Cytogenetic location: 2q32.3.
Variant type: single nucleotide variant.
Coding change: c.3454C>G on transcript NM_001348768.2 (MANE Select); coding-DNA position 3454, C replaced by G.
Protein change: p.Pro1152Ala; replaces proline 1152 with alanine.
Molecular consequence: missense variant.
Genome position (GRCh38, 1-based): chr2:196,253,995, G>C on the plus strand (C>G on the coding strand, the complement: HECW2 is on the minus strand). VCF-style: chr2-196253995-G-C. GRCh37 (hg19) VCF-style: chr2-197118719-G-C.
Other names: c.2386C>G, p.Pro796Ala (NM_001304840.3); c.3454C>G, p.Pro1152Ala (NM_020760.4); short protein forms P1152A, P796A.
Identifiers: ClinVar variation 1806307 (VCV001806307.1), dbSNP rs2468748899, ClinGen allele CA349958287.

ClinVar aggregate classification (germline): Uncertain significance (1 of 4 stars; one submission).

Conditions:
Neurodevelopmental disorder with hypotonia, seizures, and absent language (NDHSAL). Identifiers: MedGen C4310643, MONDO:0014995, OMIM 617268.

Allele frequency attached by ClinVar (database versions not stated): gnomAD exomes below 0.00001.
gnomAD v4.1: 1 of 1,614,062 alleles (0.000062%); highest among the groups gnomAD compares: Non-Finnish European, 0.000085%; no homozygotes.

Submission:

Victorian Clinical Genetics Services, Murdoch Childrens Research Institute
Classification: Uncertain significance for Neurodevelopmental disorder with hypotonia, seizures, and absent language. Last evaluated: 2020-05-01. Review status: criteria provided, single submitter. Criteria: ACMG Guidelines, 2015. Collection method: clinical testing. Allele origin: germline. Inheritance: Autosomal dominant inheritance. Affected: yes.
Comment: Based on the classification scheme VCGS_Germline_v0.6.1, this variant is classified as 3C-VUS. Following criteria are met: 0105 - Mechanism of disease for this gene is unknown. 0107 - This gene is known to be associated with autosomal dominant disease. 0200 - Variant is predicted to result in a missense amino acid change from proline to alanine (exon 19). 0301 - Variant is absent from gnomAD. 0504 - Same amino acid change has been observed in wallaby, conflicting in silico predictions. 0604 - Variant is not located in an established domain, motif or hotspot. 0705 - No comparable variants in relevant codon/region have previous evidence for pathogenicity. 0807 - Variant has not previously been reported in a clinical context. 0905 - No published segregation evidence has been identified for this variant. 1007 - No published functional evidence has been identified for this variant.